The following is an entry in ClinVar:

ClinVar aggregate classification (germline): Uncertain significance (1 of 4 stars; one submission).

Conditions:
Familial adenomatous polyposis 1 (FAP1). Also called: FAMILIAL ADENOMATOUS POLYPOSIS 1, ATTENUATED; POLYPOSIS, ADENOMATOUS INTESTINAL. Identifiers: MedGen C2713442, MONDO:0021056, OMIM 175100. Disease mechanism: loss of function.

Submission:

Labcorp Genetics (formerly Invitae), Labcorp
Classification: Uncertain significance for Familial adenomatous polyposis 1. Last evaluated: 2023-06-28. Review status: criteria provided, single submitter. Criteria: Invitae Variant Classification Sherloc (09022015). Collection method: clinical testing. Allele origin: germline.
Comment: In summary, the available evidence is currently insufficient to determine the role of this variant in disease. Therefore, it has been classified as a Variant of Uncertain Significance. Advanced modeling of protein sequence and biophysical properties (such as structural, functional, and spatial information, amino acid conservation, physicochemical variation, residue mobility, and thermodynamic stability) performed at Invitae indicates that this missense variant is not expected to disrupt APC protein function. This variant has not been reported in the literature in individuals affected with APC-related conditions. This variant is not present in population databases (gnomAD no frequency). This sequence change replaces leucine, which is neutral and non-polar, with glutamine, which is neutral and polar, at codon 2076 of the APC protein (p.Leu2076Gln).

NM_000038.6(APC):c.6227T>A (p.Leu2076Gln)

Gene: APC (APC regulator of Wnt signaling pathway; plus strand). Cytogenetic location: 5q22.2.
Variant type: single nucleotide variant.
Coding change: c.6227T>A on transcript NM_000038.6 (MANE Select); coding-DNA position 6227, T replaced by A.
Protein change: p.Leu2076Gln; replaces leucine 2076 with glutamine.
Molecular consequence: missense variant. On other transcripts: non-coding transcript variant (2).
Genome position (GRCh38, 1-based): chr5:112,841,821, T>A. VCF-style: chr5-112841821-T-A. GRCh37 (hg19) VCF-style: chr5-112177518-T-A.
Other names: c.6227T>A, p.Leu2076Gln (NM_001127510.3, NM_001354895.2, NM_001407450.1); c.6173T>A, p.Leu2058Gln (NM_001127511.3); c.6281T>A, p.Leu2094Gln (NM_001354896.2, NM_001407447.1, NM_001407448.1 and 1 more transcripts); c.6257T>A, p.Leu2086Gln (NM_001354897.2); c.6152T>A, p.Leu2051Gln (NM_001354898.2); c.6143T>A, p.Leu2048Gln (NM_001354899.2); c.6104T>A, p.Leu2035Gln (NM_001354900.2); c.6050T>A, p.Leu2017Gln (NM_001354901.2, NM_001407453.1); and 11 more; short protein forms L1916Q, L1985Q, L1993Q, L2048Q, L2069Q, L2076Q, L2086Q, L2094Q.
Identifiers: ClinVar variation 2730590 (VCV002730590.3), dbSNP rs2149960120, ClinGen allele CA16034971.